The following is an entry in ClinVar:

ClinVar aggregate classification (germline): Likely benign (1 of 4 stars; one submission).

Conditions:
Adams-Oliver syndrome 1 (AOS1). Also called: ABSENCE DEFECT OF LIMBS, SCALP, AND SKULL; CONGENITAL SCALP DEFECTS WITH DISTAL LIMB REDUCTION ANOMALIES; APLASIA CUTIS CONGENITA WITH TERMINAL TRANSVERSE LIMB DEFECTS. Identifiers: Orphanet 974, MedGen C4551482, MONDO:0024506, OMIM 100300.

gnomAD v4.1: 2 of 1,614,032 alleles (0.00012%); highest among the groups gnomAD compares: African/African-American, 0.0027%; no homozygotes.

Submission:

Johns Hopkins Genomics, Johns Hopkins University
Classification: Likely benign for Adams-Oliver syndrome 1. Last evaluated: 2025-02-03. Review status: criteria provided, single submitter. Criteria: ACMG Guidelines, 2015. Collection method: clinical testing. Allele origin: germline.
Comment: This variant is classified as likely benign (PM2, BP1, BP5).

NM_020754.4(ARHGAP31):c.3657G>T (p.Gln1219His)

Gene: ARHGAP31 (Rho GTPase activating protein 31; plus strand). Cytogenetic location: 3q13.33.
Variant type: single nucleotide variant.
Coding change: c.3657G>T on transcript NM_020754.4 (MANE Select); coding-DNA position 3657, G replaced by T.
Protein change: p.Gln1219His; replaces glutamine 1219 with histidine.
Molecular consequence: missense variant.
Genome position (GRCh38, 1-based): chr3:119,415,586, G>T. VCF-style: chr3-119415586-G-T. GRCh37 (hg19) VCF-style: chr3-119134433-G-T.
Other names: short protein forms Q1219H.
Identifiers: ClinVar variation 4280132 (VCV004280132.1).